The following is an entry in ClinVar:

NM_020778.5(ALPK3):c.3244G>A (p.Gly1082Arg)

Gene: ALPK3 (alpha kinase 3; plus strand). Cytogenetic location: 15q25.3.
Variant type: single nucleotide variant.
Coding change: c.3244G>A on transcript NM_020778.5 (MANE Select); coding-DNA position 3244, G replaced by A.
Protein change: p.Gly1082Arg; replaces glycine 1082 with arginine.
Molecular consequence: missense variant.
Genome position (GRCh38, 1-based): chr15:84,857,982, G>A. VCF-style: chr15-84857982-G-A. GRCh37 (hg19) VCF-style: chr15-85401213-G-A.
Other names: short protein forms G1082R.
Identifiers: ClinVar variation 4993100 (VCV004993100.1).

ClinVar aggregate classification (germline): Uncertain significance (1 of 4 stars; one submission).

Conditions:
ALPK3-related disorder. Also called: ALPK3-related condition.

Submission:

PreventionGenetics, part of Exact Sciences
Classification: Uncertain significance for ALPK3-related condition. Last evaluated: 2026-03-26. Review status: criteria provided, single submitter. Criteria: ACMG Guidelines, 2015. Collection method: clinical testing. Allele origin: germline.
Comment: The ALPK3 c.3850G>A variant is predicted to result in the amino acid substitution p.Gly1284Arg. To our knowledge, this variant has not been reported in the literature or in a large population database (gnomAD), indicating this variant is rare. At this time, the clinical significance of this variant is uncertain due to the absence of conclusive functional and genetic evidence.